The following is an entry in ClinVar:

NM_014252.4(SLC25A15):c.182G>C (p.Arg61Pro)

Gene: SLC25A15 (solute carrier family 25 member 15; plus strand). Cytogenetic location: 13q14.11.
Variant type: single nucleotide variant.
Coding change: c.182G>C on transcript NM_014252.4 (MANE Select); coding-DNA position 182, G replaced by C.
Protein change: p.Arg61Pro; replaces arginine 61 with proline.
Molecular consequence: missense variant. On other transcripts: non-coding transcript variant (2).
Genome position (GRCh38, 1-based): chr13:40,799,183, G>C. VCF-style: chr13-40799183-G-C. GRCh37 (hg19) VCF-style: chr13-41373319-G-C.
Other names: short protein forms R61P.
Identifiers: ClinVar variation 1476206 (VCV001476206.5), dbSNP rs34615430, ClinGen allele CA387916877.

ClinVar aggregate classification (germline): Uncertain significance (1 of 4 stars; one submission).

Conditions:
Hyperornithinemia-hyperammonemia-homocitrullinuria syndrome (HHHS). Also called: Ornithine translocase deficiency; HHH SYNDROME. Identifiers: Orphanet 415, MedGen C0268540, MONDO:0009393, OMIM 238970.

gnomAD v4.1: 1 of 1,614,208 alleles (0.000062%); highest among the groups gnomAD compares: Non-Finnish European, 0.000085%; no homozygotes.

Submission:

Labcorp Genetics (formerly Invitae), Labcorp
Classification: Uncertain significance for Hyperornithinemia-hyperammonemia-homocitrullinuria syndrome. Last evaluated: 2021-09-24. Review status: criteria provided, single submitter. Criteria: Invitae Variant Classification Sherloc (09022015). Collection method: clinical testing. Allele origin: germline.
Comment: This sequence change replaces arginine with proline at codon 61 of the SLC25A15 protein (p.Arg61Pro). The arginine residue is highly conserved and there is a moderate physicochemical difference between arginine and proline. This variant is not present in population databases (ExAC no frequency). This variant has not been reported in the literature in individuals with SLC25A15-related conditions. Algorithms developed to predict the effect of missense changes on protein structure and function (SIFT, PolyPhen-2, Align-GVGD) all suggest that this variant is likely to be tolerated, but these predictions have not been confirmed by published functional studies and their clinical significance is uncertain. In summary, the available evidence is currently insufficient to determine the role of this variant in disease. Therefore, it has been classified as a Variant of Uncertain Significance.